The following is an entry in ClinVar:

ClinVar aggregate classification (germline): Uncertain significance. Review status: criteria provided, multiple submitters, no conflicts (2 of 4 stars). 3 submissions from 3 submitters: Uncertain significance (3). Last evaluated 2025-02-04.

Conditions:
Familial thoracic aortic aneurysm and aortic dissection (TAAD). Also called: Thoracic aortic aneurysms and dissections. Identifiers: Orphanet 91387, MedGen C4707243, MONDO:0019625.
Aortic aneurysm, familial thoracic 7 (AAT7). Also called: AORTIC DISSECTION, FAMILIAL, WITH OR WITHOUT AORTIC ANEURYSM. Identifiers: MedGen C3151077, MONDO:0013418, OMIM 613780.

Allele frequency attached by ClinVar (database versions not stated): gnomAD exomes below 0.00001.
gnomAD v4.1: 1 of 1,613,832 alleles (0.000062%); highest among the groups gnomAD compares: Non-Finnish European, 0.000085%; no homozygotes.

Submissions (3):

Ambry Genetics
Classification: Uncertain significance for Familial thoracic aortic aneurysm and aortic dissection. Last evaluated: 2025-02-04. Review status: criteria provided, single submitter. Criteria: Ambry Variant Classification Scheme 2023. Collection method: clinical testing. Allele origin: germline.
Comment: The p.V956I variant (also known as c.2866G>A), located in coding exon 15 of the MYLK gene, results from a G to A substitution at nucleotide position 2866. The valine at codon 956 is replaced by isoleucine, an amino acid with highly similar properties. This amino acid position is conserved. In addition, this alteration is predicted to be tolerated by in silico analysis. Since supporting evidence is limited at this time, the clinical significance of this alteration remains unclear.

Labcorp Genetics (formerly Invitae), Labcorp
Classification: Uncertain significance for Aortic aneurysm, familial thoracic 7. Last evaluated: 2024-08-10. Review status: criteria provided, single submitter. Criteria: Invitae Variant Classification Sherloc (09022015). Collection method: clinical testing. Allele origin: germline.
Comment: This sequence change replaces valine, which is neutral and non-polar, with isoleucine, which is neutral and non-polar, at codon 956 of the MYLK protein (p.Val956Ile). This variant is not present in population databases (gnomAD no frequency). This variant has not been reported in the literature in individuals affected with MYLK-related conditions. ClinVar contains an entry for this variant (Variation ID: 1797001). Advanced modeling of protein sequence and biophysical properties (such as structural, functional, and spatial information, amino acid conservation, physicochemical variation, residue mobility, and thermodynamic stability) performed at Invitae indicates that this missense variant is not expected to disrupt MYLK protein function with a negative predictive value of 80%. In summary, the available evidence is currently insufficient to determine the role of this variant in disease. Therefore, it has been classified as a Variant of Uncertain Significance.

GeneDx
Classification: Uncertain significance. Last evaluated: 2023-02-17. Review status: criteria provided, single submitter. Criteria: GeneDx Variant Classification Process June 2021. Collection method: clinical testing. Allele origin: germline. Affected: yes.
Comment: Not observed at significant frequency in large population cohorts (gnomAD); In silico analysis supports that this missense variant does not alter protein structure/function; Has not been previously published as pathogenic or benign to our knowledge

NM_053025.4(MYLK):c.2866G>A (p.Val956Ile)

Gene: MYLK (myosin light chain kinase; minus strand). Cytogenetic location: 3q21.1.
Variant type: single nucleotide variant.
Coding change: c.2866G>A on transcript NM_053025.4 (MANE Select); coding-DNA position 2866, G replaced by A.
Protein change: p.Val956Ile; replaces valine 956 with isoleucine.
Molecular consequence: missense variant.
Genome position (GRCh38, 1-based): chr3:123,700,602, C>T on the plus strand (G>A on the coding strand, the complement: MYLK is on the minus strand). VCF-style: chr3-123700602-C-T. GRCh37 (hg19) VCF-style: chr3-123419449-C-T.
Other names: c.2338G>A, p.Val780Ile (NM_001321309.2); c.2659G>A, p.Val887Ile (NM_053026.4, NM_053028.4); c.2866G>A, p.Val956Ile (NM_053027.4); short protein forms V956I, V887I, V780I.
Identifiers: ClinVar variation 1797001 (VCV001797001.6), dbSNP rs1415550600, ClinGen allele CA354230966.